The following is an entry in ClinVar:

NM_000298.6(PKLR):c.1116+23T>G

Gene: PKLR (pyruvate kinase L/R; minus strand). Cytogenetic location: 1q22.
Variant type: single nucleotide variant.
Coding change: c.1116+23T>G on transcript NM_000298.6 (MANE Select); 23 bases into the intron after coding-DNA position 1116, T replaced by G.
Molecular consequence: intron variant.
Genome position (GRCh38, 1-based): chr1:155,294,212, A>C on the plus strand (T>G on the coding strand, the complement: PKLR is on the minus strand). VCF-style: chr1-155294212-A-C. GRCh37 (hg19) VCF-style: chr1-155264003-A-C.
Other names: c.1023+23T>G (NM_181871.4).
Identifiers: ClinVar variation 1163642 (VCV001163642.5), dbSNP rs777806779, ClinGen allele CA1144111.

ClinVar aggregate classification (germline): Likely pathogenic (1 of 4 stars; one submission).

Allele frequency attached by ClinVar (database versions not stated): gnomAD 0.00001; gnomAD exomes 0.00005 and 0.00013; TOPMed 0.00011; ExAC 0.00012.
gnomAD v4.1: 34 of 1,613,892 alleles (0.0021%); highest among the groups gnomAD compares: Admixed American, 0.055%; no homozygotes.

Submission:

Mayo Clinic Laboratories, Mayo Clinic
Classification: Likely pathogenic. Last evaluated: 2020-11-19. Review status: criteria provided, single submitter. Criteria: ACMG Guidelines, 2015. Collection method: clinical testing. Allele origin: germline. Observed: 1 variant allele.
Comment: PS4, PM4, PP3